The following is an entry in ClinVar:

ClinVar aggregate classification (germline): Likely pathogenic (1 of 4 stars; one submission).

Conditions:
Autosomal recessive nonsyndromic hearing loss 77. Identifiers: Orphanet 90636, MedGen C2746083, MONDO:0013119, OMIM 613079.

gnomAD v4.1: 2 of 1,551,658 alleles (0.00013%); highest among the groups gnomAD compares: Non-Finnish European, 0.00017%; no homozygotes.

Submission:

Natera, Inc.
Classification: Likely pathogenic for Autosomal recessive deafness type 77. Last evaluated: 2025-07-28. Review status: criteria provided, single submitter. Criteria: Natera Variant Classification Schema (03/2026). Collection method: clinical testing. Allele origin: germline.
Comment: The c.1271-2A>G variant in LOXHD1 is a canonical splice acceptor site variant predicted to affect pre-mRNA splicing, which may result in an abnormal transcript and altered protein product. This variant is expected to result in nonsense mediated decay, truncation, or a dysfunctional protein product. This variant is rare in the general population with a frequency below the threshold expected for the associated phenotype(s). Given the available evidence, this variant is classified as Likely Pathogenic.

NM_001384474.1(LOXHD1):c.1271-2A>G

Gene: LOXHD1 (lipoxygenase homology PLAT domains 1; minus strand). Cytogenetic location: 18q21.1.
Variant type: single nucleotide variant.
Coding change: c.1271-2A>G on transcript NM_001384474.1 (MANE Select); the canonical splice acceptor site of the intron before coding-DNA position 1271, A replaced by G.
Molecular consequence: splice acceptor variant.
Genome position (GRCh38, 1-based): chr18:46,593,762, T>C on the plus strand (A>G on the coding strand, the complement: LOXHD1 is on the minus strand). VCF-style: chr18-46593762-T-C. GRCh37 (hg19) VCF-style: chr18-44173725-T-C.
Other names: c.1271-2A>G (NM_144612.7).
Identifiers: ClinVar variation 4816814 (VCV004816814.1).